The following is an entry in ClinVar:

NM_001100.4(ACTA1):c.453C>G (p.Thr151=)

Gene: ACTA1 (actin alpha 1, skeletal muscle; minus strand). Cytogenetic location: 1q42.13.
Variant type: single nucleotide variant.
Coding change: c.453C>G on transcript NM_001100.4 (MANE Select); coding-DNA position 453, C replaced by G.
Protein change: p.Thr151=; no amino-acid change (threonine 151 retained).
Molecular consequence: synonymous variant.
Genome position (GRCh38, 1-based): chr1:229,432,557, G>C on the plus strand (C>G on the coding strand, the complement: ACTA1 is on the minus strand). VCF-style: chr1-229432557-G-C. GRCh37 (hg19) VCF-style: chr1-229568304-G-C.
Identifiers: ClinVar variation 873885 (VCV000873885.11), dbSNP rs76030344, ClinGen allele CA1442880.
Genomic context (GRCh38, chr1:229,432,557, plus strand): 5'-GGCGGGGGCGGGGGCGGGGGCGGGGGCGGGAGAGGGGACTGGGGGCAGCGGGCACTCACC[G>C]GTGGTCCTGCCGGAGGCGTAGAGGGACAGCACGGCCTGGATGGCCACGTACATGGCGGGC-3'
Protein context (NP_001091.1, residues 141-161): VLSLYASGRT[Thr151=]GIVLDSGDGV

ClinVar aggregate classification (germline): Uncertain significance. Review status: criteria provided, multiple submitters, no conflicts (2 of 4 stars). 3 submissions from 2 submitters: Uncertain significance (3). Last evaluated 2025-06-24.

Conditions:
Familial restrictive cardiomyopathy (RCM). Identifiers: Orphanet 217635, MedGen C0340429, MONDO:0016340.
Actin accumulation myopathy (CMYO2A). Also called: Myopathy, actin, congenital, with cores; Nemaline myopathy 3, with intranuclear rods; Nemaline myopathy type 3; Myopathy, actin, congenital, with excess of thin myofilaments; CONGENITAL MYOPATHY 2A, TYPICAL, AUTOSOMAL DOMINANT. Identifiers: Orphanet 98904, MedGen C3711389, MONDO:0008070, OMIM 161800.

gnomAD v4.1: 15 of 1,609,420 alleles (0.00093%); highest among the groups gnomAD compares: East Asian, 0.029%; no homozygotes.

Submissions (3):

Labcorp Genetics (formerly Invitae), Labcorp
Classification: Uncertain significance for Actin accumulation myopathy. Last evaluated: 2025-06-24. Review status: criteria provided, single submitter. Criteria: Invitae Variant Classification Sherloc (09022015). Collection method: clinical testing. Allele origin: germline.
Comment: This sequence change affects codon 151 of the ACTA1 mRNA. It is a 'silent' change, meaning that it does not change the encoded amino acid sequence of the ACTA1 protein. It affects a nucleotide within the consensus splice site. This variant is present in population databases (rs76030344, gnomAD 0.06%). This variant has not been reported in the literature in individuals affected with ACTA1-related conditions. ClinVar contains an entry for this variant (Variation ID: 873885). Algorithms developed to predict the effect of sequence changes on RNA splicing suggest that this variant is not likely to affect RNA splicing. In summary, the available evidence is currently insufficient to determine the role of this variant in disease. Therefore, it has been classified as a Variant of Uncertain Significance.

Illumina Laboratory Services, Illumina
Classification: Uncertain significance for Actin accumulation myopathy. Last evaluated: 2018-02-02. Review status: criteria provided, single submitter. Criteria: ICSL Variant Classification Criteria 13 December 2019. Collection method: clinical testing. Allele origin: germline.

Illumina Laboratory Services, Illumina
Classification: Uncertain significance for Familial restrictive cardiomyopathy. Last evaluated: 2018-02-02. Review status: criteria provided, single submitter. Criteria: ICSL Variant Classification Criteria 13 December 2019. Collection method: clinical testing. Allele origin: germline.